The following is an entry in ClinVar:

NM_000100.4(CSTB):c.136C>T (p.Gln46Ter)

Gene: CSTB (cystatin B; minus strand). Cytogenetic location: 21q22.3.
Variant type: single nucleotide variant.
Coding change: c.136C>T on transcript NM_000100.4 (MANE Select); coding-DNA position 136, C replaced by T.
Protein change: p.Gln46Ter; replaces glutamine 46 with a stop codon.
Molecular consequence: nonsense.
Genome position (GRCh38, 1-based): chr21:43,774,690, G>A on the plus strand (C>T on the coding strand, the complement: CSTB is on the minus strand). VCF-style: chr21-43774690-G-A. GRCh37 (hg19) VCF-style: chr21-45194571-G-A.
Other names: p.Q46*:CAG>TAG; short protein forms Q46*.
Identifiers: ClinVar variation 161418 (VCV000161418.29), dbSNP rs545986367, ClinGen allele CA314286.

ClinVar aggregate classification (germline): Pathogenic/Likely pathogenic. Review status: criteria provided, multiple submitters, no conflicts (2 of 4 stars). 6 submissions from 6 submitters: Pathogenic (4); Likely pathogenic (1). 1 of the submissions does not count toward it. Last evaluated 2025-12-12.

Conditions:
Inborn genetic diseases. Identifiers: MedGen C0950123, MeSH D030342.
Progressive myoclonic epilepsy. Also called: Myoclonus epilepsy; Familial progressive myoclonic epilepsy; Myoclonic Epilepsies, Progressive; Progressive myoclonus epilepsy. Identifiers: Orphanet 308, Orphanet 98261, MedGen C0751778, MONDO:0020074.
Unverricht-Lundborg syndrome. Also called: Unverricht-Lundborg Disease; Myoclonic epilepsy of unverricht and lundborg; Progressive myoclonus epilepsy baltic myoclonic epilepsy; Myoclonus progressive epilepsy of Unverricht and Lundborg; EPILEPSY, PROGRESSIVE MYOCLONIC, 1A; Epilepsy, progressive myoclonic 1A (Unverricht and Lundborg). Identifiers: Orphanet 308, MedGen C0751785, MONDO:0009698, OMIM 254800.

Allele frequency attached by ClinVar (database versions not stated): gnomAD 0.00001; gnomAD exomes 0.00001 and 0.00003; TOPMed 0.00001; ExAC 0.00002; 1000 Genomes Project 0.00020; 1000 Genomes Project 30x 0.00031.

Submissions (6):

GeneDx
Classification: Likely pathogenic. Last evaluated: 2025-12-12. Review status: criteria provided, single submitter. Criteria: GeneDx Variant Classification Process June 2021. Collection method: clinical testing. Allele origin: germline. Affected: yes.
Comment: Identified as a heterozygous variant in a patient with epilepsy in published literature; however, the analysis performed would not be able to detect the common dodecamer repeat expansion if present (PMID: 31440721); Nonsense variant in the C-terminus predicted to result in protein truncation, as the last 53 amino acids are lost, and other loss-of-function variants have been reported downstream in HGMD; This variant is associated with the following publications: (PMID: 31440721, 23205931, 38247861)

Labcorp Genetics (formerly Invitae), Labcorp
Classification: Pathogenic for Progressive myoclonic epilepsy. Last evaluated: 2025-03-23. Review status: criteria provided, single submitter. Criteria: Invitae Variant Classification Sherloc (09022015). Collection method: clinical testing. Allele origin: germline.
Comment: This sequence change creates a premature translational stop signal (p.Gln46*) in the CSTB gene. While this is not anticipated to result in nonsense mediated decay, it is expected to disrupt the last 53 amino acid(s) of the CSTB protein. This variant is present in population databases (rs545986367, gnomAD 0.02%). This premature translational stop signal has been observed in individual(s) with CTSB-related progressive myoclonic epilepsy (PMID: 23205931). This variant is also known as c.133C>T. ClinVar contains an entry for this variant (Variation ID: 161418). This variant disrupts a region of the CSTB protein in which other variant(s) (p.Arg68*) have been determined to be pathogenic (PMID: 8596935, 15483648, 26843564). This suggests that this is a clinically significant region of the protein, and that variants that disrupt it are likely to be disease-causing. For these reasons, this variant has been classified as Pathogenic.

Athena Diagnostics
Classification: Pathogenic. Last evaluated: 2021-01-07. Review status: criteria provided, single submitter. Criteria: Athena Diagnostics criteria. Collection method: clinical testing. Allele origin: unknown.
Comment: This variant is expected to result in the loss of a functional protein. The frequency of this variant in the general population is consistent with pathogenicity. This variant has been identified in at least one individual with clinical features associated with this gene.

Revvity Omics, Revvity
Classification: Pathogenic for Unverricht-Lundborg syndrome. Last evaluated: 2019-05-20. Review status: criteria provided, single submitter. Criteria: ACMG Guidelines, 2015. Collection method: clinical testing. Allele origin: germline.

Ambry Genetics
Classification: Pathogenic for Inborn genetic diseases. Last evaluated: 2017-06-13. Review status: criteria provided, single submitter. Criteria: Ambry exome assertion method (8-5-2015). Collection method: clinical testing. Allele origin: germline. Affected: yes. Observed: 1 variant allele.

GeneReviews
No classification provided. Condition: Unverricht-Lundborg syndrome. Review status: no classification provided. Collection method: literature only. Allele origin: germline. Affected: yes. Not counted in ClinVar's aggregate classification.

Literature cited by the submitters: PubMed 23205931 (cited by 3 submitters); PubMed 8596935 (cited by Labcorp Genetics (formerly Invitae), Labcorp); PubMed 15483648 (cited by Labcorp Genetics (formerly Invitae), Labcorp); PubMed 26843564 (cited by Labcorp Genetics (formerly Invitae), Labcorp and Ambry Genetics); PubMed 9012407 (cited by Ambry Genetics); PubMed 17003839 (cited by Ambry Genetics); NCBI Bookshelf NBK1142 (cited by GeneReviews).